The following is an entry in ClinVar:

ClinVar aggregate classification (germline): Uncertain significance (1 of 4 stars; one submission).

Conditions:
Senior-Loken syndrome 8 (SLSN8). Identifiers: Orphanet 3156, MedGen C4225376, MONDO:0014579, OMIM 616307.
Asphyxiating thoracic dystrophy 5 (SRTD5). Also called: SHORT-RIB THORACIC DYSPLASIA 5 WITHOUT POLYDACTYLY; SHORT-RIB THORACIC DYSPLASIA 5 WITH OR WITHOUT POLYDACTYLY. Identifiers: Orphanet 474, MedGen C3280598, MONDO:0013717, OMIM 614376.

Submission:

Labcorp Genetics (formerly Invitae), Labcorp
Classification: Uncertain significance for Senior-Loken syndrome 8; Asphyxiating thoracic dystrophy 5. Last evaluated: 2022-02-25. Review status: criteria provided, single submitter. Criteria: Invitae Variant Classification Sherloc (09022015). Collection method: clinical testing. Allele origin: germline.
Comment: This variant has not been reported in the literature in individuals affected with WDR19-related conditions. This variant is not present in population databases (gnomAD no frequency). This sequence change replaces leucine, which is neutral and non-polar, with valine, which is neutral and non-polar, at codon 769 of the WDR19 protein (p.Leu769Val). In summary, the available evidence is currently insufficient to determine the role of this variant in disease. Therefore, it has been classified as a Variant of Uncertain Significance. Algorithms developed to predict the effect of missense changes on protein structure and function are either unavailable or do not agree on the potential impact of this missense change (SIFT: "Tolerated"; PolyPhen-2: "Probably Damaging"; Align-GVGD: "Class C0").

NM_025132.4(WDR19):c.2305T>G (p.Leu769Val)

Gene: WDR19 (WD repeat domain 19; plus strand). Cytogenetic location: 4p14.
Variant type: single nucleotide variant.
Coding change: c.2305T>G on transcript NM_025132.4 (MANE Select); coding-DNA position 2305, T replaced by G.
Protein change: p.Leu769Val; replaces leucine 769 with valine.
Molecular consequence: missense variant.
Genome position (GRCh38, 1-based): chr4:39,234,817, T>G. VCF-style: chr4-39234817-T-G. GRCh37 (hg19) VCF-style: chr4-39236437-T-G.
Other names: c.1825T>G, p.Leu609Val (NM_001317924.2); short protein forms L609V, L769V.
Identifiers: ClinVar variation 2103497 (VCV002103497.4), dbSNP rs2475220105, ClinGen allele CA356635395.
Genomic context (GRCh38, chr4:39,234,817, plus strand): 5'-TCTTAACAGATGAGAAGGGATTTACAGCATTGGGACAGTGCTCTACAACTGGCAAAGCAT[T>G]TGGCCCCAGACCAGATACCTTTTATATCAAAAGAATATGCTATTCAGCTTGAATTCGCGT-3'
Protein context (NP_079408.3, residues 759-779): WDSALQLAKH[Leu769Val]APDQIPFISK